The following is an entry in ClinVar:

NM_000548.5(TSC2):c.4557G>T (p.Leu1519=)

Gene: TSC2 (TSC complex subunit 2; plus strand). Cytogenetic location: 16p13.3.
Variant type: single nucleotide variant.
Coding change: c.4557G>T on transcript NM_000548.5 (MANE Select); coding-DNA position 4557, G replaced by T.
Protein change: p.Leu1519=; no amino-acid change (leucine 1519 retained).
Molecular consequence: synonymous variant.
Genome position (GRCh38, 1-based): chr16:2,085,014, G>T. VCF-style: chr16-2085014-G-T. GRCh37 (hg19) VCF-style: chr16-2135015-G-T.
Other names: c.4356G>T, p.Leu1452= (NM_001077183.3); c.4488G>T, p.Leu1496= (NM_001114382.3); c.4248G>T, p.Leu1416= (NM_001318827.2); c.4212G>T, p.Leu1404= (NM_001318829.2); c.3825G>T, p.Leu1275= (NM_001318831.2); c.4389G>T, p.Leu1463= (NM_001318832.2); c.4359G>T, p.Leu1453= (NM_001363528.2); c.4425G>T, p.Leu1475= (NM_001370404.1); and 2 more.
Identifiers: ClinVar variation 486682 (VCV000486682.48), dbSNP rs1260508226, ClinGen allele CA493043453.
Genomic context (GRCh38, chr16:2,085,014, plus strand): 5'-CGTGTTCCTGCAGCTCTACCATTCCCCCTTCTTTGGCGACGAGTCAAACAAGCCAATCCT[G>T]CTGCCCAATGAGGTAGGCGTGGCCTCCCTCTCCTGCATCCGCTGGAGCTGTGTGGCTCGG-3'
Protein context (NP_000539.2, residues 1509-1529): FFGDESNKPI[Leu1519=]LPNESQSFER

ClinVar aggregate classification (germline): Benign/Likely benign. Review status: criteria provided, multiple submitters, no conflicts (2 of 4 stars). 7 submissions from 7 submitters: Benign (2); Likely benign (4). 1 of the submissions does not count toward it. Last evaluated 2026-01-28.

Conditions:
Tuberous sclerosis 2 (TSC2). Identifiers: Orphanet 805, MedGen C1860707, MONDO:0013199, OMIM 613254.
TSC2-related disorder. Also called: TSC2-related condition; TSC2-Related Disorders.
Tuberous sclerosis syndrome (TSC). Also called: Tuberous Sclerosis Complex; Tuberous sclerosis. Identifiers: Orphanet 805, MedGen C0041341, MONDO:0001734.
Hereditary cancer-predisposing syndrome. Also called: Hereditary neoplastic syndrome; Neoplastic Syndromes, Hereditary; Hereditary Cancer Syndrome; Tumor predisposition. Identifiers: Orphanet 140162, MedGen C0027672, MeSH D009386, MONDO:0015356.

Allele frequency attached by ClinVar (database versions not stated): gnomAD exomes below 0.00001 and 0.00001.
gnomAD v4.1: 4 of 1,613,392 alleles (0.00025%); highest among the groups gnomAD compares: Non-Finnish European, 0.00034%; no homozygotes.

Submissions (7):

Labcorp Genetics (formerly Invitae), Labcorp
Classification: Likely benign for Tuberous sclerosis 2. Last evaluated: 2026-01-28. Review status: criteria provided, single submitter. Criteria: Invitae Variant Classification Sherloc (09022015). Collection method: clinical testing. Allele origin: germline.

Myriad Genetics, Inc.
Classification: Benign for Tuberous sclerosis 2. Last evaluated: 2025-06-04. Review status: criteria provided, single submitter. Criteria: Myriad Autosomal Dominant, Autosomal Recessive and X-Linked Classification Criteria (2023). Collection method: clinical testing. Allele origin: unknown.
Comment: This variant is considered benign. This variant is a silent/synonymous amino acid change and it is not expected to impact splicing.

All of Us Research Program, National Institutes of Health
Classification: Likely benign for Tuberous sclerosis syndrome. Last evaluated: 2024-06-17. Review status: criteria provided, single submitter. Criteria: ACMG Guidelines, 2015. Collection method: clinical testing. Allele origin: germline. Inheritance: Autosomal dominant inheritance. Observed: 3 variant alleles, 3 heterozygotes.
Comment: This study involves interpretation of variants in research participants for the purpose of population health screening. Participant phenotype was not available at the time of variant classification. Additional details can be found in publication PMID: 35346344, PMCID: PMC8962531

CeGaT Center for Human Genetics Tuebingen
Classification: Likely benign. Last evaluated: 2022-10-01. Review status: criteria provided, single submitter. Criteria: CeGaT Center For Human Genetics Tuebingen Variant Classification Criteria Version 2. Collection method: clinical testing. Allele origin: germline. Affected: yes. Observed: 1 variant allele.
Comment: TSC2: BP4, BP7

Genome-Nilou Lab
Classification: Benign for Tuberous sclerosis 2. Last evaluated: 2021-11-07. Review status: criteria provided, single submitter. Criteria: ACMG Guidelines, 2015. Collection method: clinical testing. Allele origin: germline. Affected: no.

Ambry Genetics
Classification: Likely benign for Hereditary cancer-predisposing syndrome. Last evaluated: 2016-11-01. Review status: criteria provided, single submitter. Criteria: Ambry Variant Classification Scheme 2023. Collection method: clinical testing. Allele origin: germline.

PreventionGenetics, part of Exact Sciences
Classification: Likely benign for TSC2-related condition. Last evaluated: 2022-03-17. Review status: no assertion criteria provided. Collection method: clinical testing. Allele origin: germline. Not counted in ClinVar's aggregate classification.
Comment: This variant is classified as likely benign based on ACMG/AMP sequence variant interpretation guidelines (Richards et al. 2015 PMID: 25741868, with internal and published modifications).